The following is an entry in ClinVar:

NM_016122.3(CEP83):c.772G>C (p.Glu258Gln)

Gene: CEP83 (centrosomal protein 83; minus strand). Cytogenetic location: 12q22.
Variant type: single nucleotide variant.
Coding change: c.772G>C on transcript NM_016122.3 (MANE Select); coding-DNA position 772, G replaced by C.
Protein change: p.Glu258Gln; replaces glutamic acid 258 with glutamine.
Molecular consequence: missense variant. On other transcripts: non-coding transcript variant (3).
Genome position (GRCh38, 1-based): chr12:94,378,820, C>G on the plus strand (G>C on the coding strand, the complement: CEP83 is on the minus strand). VCF-style: chr12-94378820-C-G. GRCh37 (hg19) VCF-style: chr12-94772596-C-G.
Other names: c.772G>C, p.Glu258Gln (NM_001042399.2, NM_001346457.2, NM_001346460.2 and 3 more transcripts); c.460G>C, p.Glu154Gln (NM_001346458.2, NM_001346459.2, NM_001346462.2 and 2 more transcripts); c.547G>C, p.Glu183Gln (NM_001368041.1); c.235G>C, p.Glu79Gln (NM_001368042.1); short protein forms E154Q, E183Q, E258Q, E79Q.
Identifiers: ClinVar variation 1000827 (VCV001000827.7), dbSNP rs201682129, ClinGen allele CA242063186.

ClinVar aggregate classification (germline): Uncertain significance (1 of 4 stars; one submission).

Conditions:
Nephronophthisis 18 (NPHP18). Identifiers: Orphanet 655, MedGen C3890591, MONDO:0014374, OMIM 615862.

Allele frequency attached by ClinVar (database versions not stated): TOPMed below 0.00001; gnomAD 0.00001; gnomAD exomes 0.00001.
gnomAD v4.1: 15 of 1,613,960 alleles (0.00093%); highest among the groups gnomAD compares: Non-Finnish European, 0.0013%; no homozygotes.

Submission:

Labcorp Genetics (formerly Invitae), Labcorp
Classification: Uncertain significance for Nephronophthisis 18. Last evaluated: 2024-10-14. Review status: criteria provided, single submitter. Criteria: Invitae Variant Classification Sherloc (09022015). Collection method: clinical testing. Allele origin: germline.
Comment: This sequence change replaces glutamic acid, which is acidic and polar, with glutamine, which is neutral and polar, at codon 258 of the CEP83 protein (p.Glu258Gln). This variant is present in population databases (rs201682129, gnomAD 0.0009%). This variant has not been reported in the literature in individuals affected with CEP83-related conditions. ClinVar contains an entry for this variant (Variation ID: 1000827). Invitae Evidence Modeling of protein sequence and biophysical properties (such as structural, functional, and spatial information, amino acid conservation, physicochemical variation, residue mobility, and thermodynamic stability) has been performed for this missense variant. However, the output from this modeling did not meet the statistical confidence thresholds required to predict the impact of this variant on CEP83 protein function. In summary, the available evidence is currently insufficient to determine the role of this variant in disease. Therefore, it has been classified as a Variant of Uncertain Significance.